The following is an entry in ClinVar:

ClinVar aggregate classification (germline): Pathogenic (1 of 4 stars; one submission).

Allele frequency attached by ClinVar (database versions not stated): gnomAD exomes below 0.00001.
gnomAD v4.1: 1 of 1,211,035 alleles (0.000083%); highest among the groups gnomAD compares: Non-Finnish European, 0.00011%; no homozygotes.

Submission:

Labcorp Genetics (formerly Invitae), Labcorp
Classification: Pathogenic. Last evaluated: 2022-07-26. Review status: criteria provided, single submitter. Criteria: Invitae Variant Classification Sherloc (09022015). Collection method: clinical testing. Allele origin: germline.
Comment: This premature translational stop signal has been observed in individual(s) with X-linked juvenile retinoschisis (PMID: 23288992, 28272453). ClinVar contains an entry for this variant (Variation ID: 934836). For these reasons, this variant has been classified as Pathogenic. This variant is not present in population databases (gnomAD no frequency). This sequence change creates a premature translational stop signal (p.Ser73*) in the RS1 gene. It is expected to result in an absent or disrupted protein product. Loss-of-function variants in RS1 are known to be pathogenic (PMID: 9618178, 17172462).

Literature cited by the submitters: PubMed 23288992; PubMed 28272453; PubMed 9618178; PubMed 17172462.

NM_000330.4(RS1):c.218C>G (p.Ser73Ter)

Genes: CDKL5 (cyclin dependent kinase like 5; plus strand), RS1 (retinoschisin 1; minus strand). Cytogenetic location: Xp22.13.
Variant type: single nucleotide variant.
Coding change: c.218C>G on transcript NM_000330.4 (MANE Select); coding-DNA position 218, C replaced by G.
Protein change: p.Ser73Ter; replaces serine 73 with a stop codon.
Molecular consequence: nonsense. On other transcripts: intron variant (2).
Genome position (GRCh38, 1-based): chrX:18,647,299, G>C on the plus strand (C>G on the coding strand, the complement: RS1 is on the minus strand). VCF-style: chrX-18647299-G-C. GRCh37 (hg19) VCF-style: chrX-18665419-G-C.
Other names: c.2797+1209G>C (NM_003159.3, NM_001037343.2); short protein forms S73*.
Identifiers: ClinVar variation 934836 (VCV000934836.10), dbSNP rs1927823203, ClinGen allele CA412372950.